The following is an entry in ClinVar:

NM_006231.4(POLE):c.5445C>G (p.Asp1815Glu)

Gene: POLE (DNA polymerase epsilon, catalytic subunit; minus strand). Cytogenetic location: 12q24.33.
Variant type: single nucleotide variant.
Coding change: c.5445C>G on transcript NM_006231.4 (MANE Select); coding-DNA position 5445, C replaced by G.
Protein change: p.Asp1815Glu; replaces aspartic acid 1815 with glutamic acid.
Molecular consequence: missense variant.
Genome position (GRCh38, 1-based): chr12:132,639,232, G>C on the plus strand (C>G on the coding strand, the complement: POLE is on the minus strand). VCF-style: chr12-132639232-G-C. GRCh37 (hg19) VCF-style: chr12-133215818-G-C.
Other names: c.5445C>G (NM_006231.2); short protein forms D1815E.
Identifiers: ClinVar variation 1966643 (VCV001966643.6), dbSNP rs2138510275, ClinGen allele CA387374797.

ClinVar aggregate classification (germline): Uncertain significance. Review status: criteria provided, multiple submitters, no conflicts (2 of 4 stars). 2 submissions from 2 submitters: Uncertain significance (2). Last evaluated 2024-02-17.

Conditions:
Hereditary cancer-predisposing syndrome. Also called: Tumor predisposition; Hereditary Cancer Syndrome; Hereditary neoplastic syndrome; Neoplastic Syndromes, Hereditary. Identifiers: Orphanet 140162, MedGen C0027672, MeSH D009386, MONDO:0015356.

Submissions (2):

Ambry Genetics
Classification: Uncertain significance for Hereditary cancer-predisposing syndrome. Last evaluated: 2024-02-17. Review status: criteria provided, single submitter. Criteria: Ambry Variant Classification Scheme 2023. Collection method: clinical testing. Allele origin: germline.
Comment: The p.D1815E variant (also known as c.5445C>G), located in coding exon 40 of the POLE gene, results from a C to G substitution at nucleotide position 5445. The aspartic acid at codon 1815 is replaced by glutamic acid, an amino acid with highly similar properties. This amino acid position is conserved. In addition, this alteration is predicted to be deleterious by in silico analysis. Based on the available evidence, the clinical significance of this alteration remains unclear.

Labcorp Genetics (formerly Invitae), Labcorp
Classification: Uncertain significance. Last evaluated: 2022-11-28. Review status: criteria provided, single submitter. Criteria: Invitae Variant Classification Sherloc (09022015). Collection method: clinical testing. Allele origin: germline.
Comment: This sequence change replaces aspartic acid, which is acidic and polar, with glutamic acid, which is acidic and polar, at codon 1815 of the POLE protein (p.Asp1815Glu). This variant is not present in population databases (gnomAD no frequency). This variant has not been reported in the literature in individuals affected with POLE-related conditions. Advanced modeling of protein sequence and biophysical properties (such as structural, functional, and spatial information, amino acid conservation, physicochemical variation, residue mobility, and thermodynamic stability) performed at Invitae indicates that this missense variant is not expected to disrupt POLE protein function. In summary, the available evidence is currently insufficient to determine the role of this variant in disease. Therefore, it has been classified as a Variant of Uncertain Significance.